The following is an entry in ClinVar:

NM_138554.5(TLR4):c.2332C>T (p.Leu778=)

Gene: TLR4 (toll like receptor 4; plus strand). Cytogenetic location: 9q33.1.
Variant type: single nucleotide variant.
Coding change: c.2332C>T on transcript NM_138554.5 (MANE Select); coding-DNA position 2332, C replaced by T.
Protein change: p.Leu778=; no amino-acid change (leucine 778 retained).
Molecular consequence: synonymous variant.
Genome position (GRCh38, 1-based): chr9:117,714,460, C>T. VCF-style: chr9-117714460-C-T. GRCh37 (hg19) VCF-style: chr9-120476738-C-T.
Other names: c.2212C>T, p.Leu738= (NM_003266.4); c.1732C>T, p.Leu578= (NM_138557.3).
Identifiers: ClinVar variation 3905211 (VCV003905211.10).
Genomic context (GRCh38, chr9:117,714,460, plus strand): 5'-CAGTTTCTGAGCAGTCGTGCTGGTATCATCTTCATTGTCCTGCAGAAGGTGGAGAAGACC[C>T]TGCTCAGGCAGCAGGTGGAGCTGTACCGCCTTCTCAGCAGGAACACTTACCTGGAGTGGG-3'
Protein context (NP_612564.1, residues 768-788): FIVLQKVEKT[Leu778=]LRQQVELYRL

ClinVar aggregate classification (germline): Likely benign (1 of 4 stars; one submission).

gnomAD v4.1: 24 of 1,613,892 alleles (0.0015%); highest among the groups gnomAD compares: Middle Eastern, 0.034%; no homozygotes.

Submission:

CeGaT Center for Human Genetics Tuebingen
Classification: Likely benign. Last evaluated: 2025-05-01. Review status: criteria provided, single submitter. Criteria: CeGaT Center For Human Genetics Tuebingen Variant Classification Criteria Version 2. Collection method: clinical testing. Allele origin: germline. Affected: yes. Observed: 1 variant allele.
Comment: TLR4: BP4, BP7